The following is an entry in ClinVar:

ClinVar aggregate classification (germline): Benign (1 of 4 stars; one submission).

Conditions:
Melanoma-pancreatic cancer syndrome. Identifiers: Orphanet 404560, MedGen C1838547, MONDO:0011713, OMIM 606719. Disease mechanism: loss of function.

gnomAD v4.1: 2 of 1,549,364 alleles (0.00013%); highest among the groups gnomAD compares: Non-Finnish European, 0.00018%; no homozygotes.

Submission:

Myriad Genetics, Inc.
Classification: Benign for Melanoma-pancreatic cancer syndrome. Last evaluated: 2025-08-18. Review status: criteria provided, single submitter. Criteria: Myriad Autosomal Dominant, Autosomal Recessive and X-Linked Classification Criteria (2023). Collection method: clinical testing. Allele origin: unknown.
Comment: This variant is considered benign. This variant is intronic and is not expected to impact mRNA splicing.

NM_000077.5(CDKN2A):c.458-82G>A

Gene: CDKN2A (cyclin dependent kinase inhibitor 2A; minus strand). Cytogenetic location: 9p21.3.
Variant type: single nucleotide variant.
Coding change: c.458-82G>A on transcript NM_000077.5 (MANE Select); 82 bases into the intron before coding-DNA position 458, G replaced by A.
Molecular consequence: intron variant.
Genome position (GRCh38, 1-based): chr9:21,968,324, C>T on the plus strand (G>A on the coding strand, the complement: CDKN2A is on the minus strand). VCF-style: chr9-21968324-C-T. GRCh37 (hg19) VCF-style: chr9-21968323-C-T.
Other names: c.305-82G>A (NM_001363763.2); c.*102-82G>A (NM_058195.4); c.*151-82G>A (NM_001195132.2); c.*381-82G>A (NM_058197.5).
Identifiers: ClinVar variation 4294286 (VCV004294286.1).
Genomic context (GRCh38, chr9:21,968,324, plus strand): 5'-CAGGCGTTAGAAACCTGAGGTCAAAGATGTGTGGCACATCCCGCCCTCCTCTCTTGCCGT[C>T]CCTACCGGCATTGAAATACTTATGGATAAAGTTCTCGCAATGGCTTCACGTGCATGTACC-3'